The following is an entry in ClinVar:

NM_001081.4(CUBN):c.10136T>C (p.Val3379Ala)

Gene: CUBN (cubilin; minus strand). Cytogenetic location: 10p13.
Variant type: single nucleotide variant.
Coding change: c.10136T>C on transcript NM_001081.4 (MANE Select); coding-DNA position 10136, T replaced by C.
Protein change: p.Val3379Ala; replaces valine 3379 with alanine.
Molecular consequence: missense variant.
Genome position (GRCh38, 1-based): chr10:16,836,279, A>G on the plus strand (T>C on the coding strand, the complement: CUBN is on the minus strand). VCF-style: chr10-16836279-A-G. GRCh37 (hg19) VCF-style: chr10-16878278-A-G.
Other names: c.10136T>C (NM_001081.3); short protein forms V3379A.
Identifiers: ClinVar variation 1416047 (VCV001416047.10), dbSNP rs1239695630, ClinGen allele CA376121792.

ClinVar aggregate classification (germline): Uncertain significance. Review status: criteria provided, multiple submitters, no conflicts (2 of 4 stars). 3 submissions from 3 submitters: Uncertain significance (3). Last evaluated 2025-04-28.

Conditions:
Inborn genetic diseases. Identifiers: MedGen C0950123, MeSH D030342.
Proteinuria, chronic benign. Identifiers: MedGen C5394384, MONDO:0030042, OMIM 618884.
Imerslund-Grasbeck syndrome type 1 (IGS1). Also called: Imerslund-Gräsbeck syndrome 1; Megaloblastic anemia 1, Finnish type; MEGALOBLASTIC ANEMIA, 1. Identifiers: MedGen C4016819, MONDO:0100156, OMIM 261100.
Imerslund-Grasbeck syndrome. Also called: PERNICIOUS ANEMIA, JUVENILE, DUE TO SELECTIVE INTESTINAL MALABSORPTION OF VITAMIN B12, WITH PROTEINURIA; Megaloblastic anemia due to inborn errors of metabolism; ENTEROCYTE COBALAMIN MALABSORPTION; ENTEROCYTE INTRINSIC FACTOR RECEPTOR, DEFECT OF; Imerslund-Gräsbeck syndrome. Identifiers: Orphanet 35858, MedGen C4551825, MONDO:0009853.

Allele frequency attached by ClinVar (database versions not stated): gnomAD exomes below 0.00001; TOPMed 0.00002; gnomAD 0.00002.
gnomAD v4.1: 8 of 1,613,858 alleles (0.0005%); highest among the groups gnomAD compares: African/African-American, 0.008%; no homozygotes.

Submissions (3):

Ambry Genetics
Classification: Uncertain significance for Inborn genetic diseases. Last evaluated: 2025-04-28. Review status: criteria provided, single submitter. Criteria: Ambry Variant Classification Scheme 2023. Collection method: clinical testing. Allele origin: germline.

Labcorp Genetics (formerly Invitae), Labcorp
Classification: Uncertain significance for Imerslund-Grasbeck syndrome. Last evaluated: 2024-12-16. Review status: criteria provided, single submitter. Criteria: Invitae Variant Classification Sherloc (09022015). Collection method: clinical testing. Allele origin: germline.
Comment: This sequence change replaces valine, which is neutral and non-polar, with alanine, which is neutral and non-polar, at codon 3379 of the CUBN protein (p.Val3379Ala). The frequency data for this variant in the population databases is considered unreliable, as metrics indicate poor data quality at this position in the gnomAD database. This variant has not been reported in the literature in individuals affected with CUBN-related conditions. ClinVar contains an entry for this variant (Variation ID: 1416047). Invitae Evidence Modeling of protein sequence and biophysical properties (such as structural, functional, and spatial information, amino acid conservation, physicochemical variation, residue mobility, and thermodynamic stability) indicates that this missense variant is not expected to disrupt CUBN protein function with a negative predictive value of 80%. In summary, the available evidence is currently insufficient to determine the role of this variant in disease. Therefore, it has been classified as a Variant of Uncertain Significance.

Fulgent Genetics
Classification: Uncertain significance for Imerslund-Grasbeck syndrome type 1; Proteinuria, chronic benign. Last evaluated: 2024-06-03. Review status: criteria provided, single submitter. Criteria: ACMG Guidelines, 2015. Collection method: clinical testing. Allele origin: germline.